The following is an entry in ClinVar:

NM_004082.5(DCTN1):c.3322C>G (p.Gln1108Glu)

Gene: DCTN1 (dynactin subunit 1; minus strand). Cytogenetic location: 2p13.1.
Variant type: single nucleotide variant.
Coding change: c.3322C>G on transcript NM_004082.5 (MANE Select); coding-DNA position 3322, C replaced by G.
Protein change: p.Gln1108Glu; replaces glutamine 1108 with glutamic acid.
Molecular consequence: missense variant. On other transcripts: non-coding transcript variant (1).
Genome position (GRCh38, 1-based): chr2:74,363,317, G>C on the plus strand (C>G on the coding strand, the complement: DCTN1 is on the minus strand). VCF-style: chr2-74363317-G-C. GRCh37 (hg19) VCF-style: chr2-74590444-G-C.
Other names: c.3247C>G, p.Gln1083Glu (NM_001135040.3); c.2905C>G, p.Gln969Glu (NM_001135041.3); c.3196C>G, p.Gln1066Glu (NM_001190836.2); c.3301C>G, p.Gln1101Glu (NM_001190837.2); c.3271C>G, p.Gln1091Glu (NM_001378991.1); c.3253C>G, p.Gln1085Glu (NM_001378992.1); c.2920C>G, p.Gln974Glu (NM_023019.4); short protein forms Q1091E, Q974E, Q1101E, Q1108E, Q1066E, Q1083E, Q1085E, Q969E.
Identifiers: ClinVar variation 1374901 (VCV001374901.8), dbSNP rs374567374, ClinGen allele CA1721522.
Genomic context (GRCh38, chr2:74,363,317, plus strand): 5'-CCATCTCCCATCCCAGTCCTCCCCGTGGCTCCCTCACCTTGAGGATGCTGTTCTCATGCT[G>C]GAGCTGGGAGATGTGCAGCCTCATGGCAGAGATCTGCTGAAGCAGCAGTGGTGAGTCCTT-3'
Protein context (NP_004073.2, residues 1098-1118): SAMRLHISQL[Gln1108Glu]HENSILKGAQ

ClinVar aggregate classification (germline): Uncertain significance. Review status: criteria provided, multiple submitters, no conflicts (2 of 4 stars). 2 submissions from 2 submitters: Uncertain significance (2). Last evaluated 2025-05-27.

Conditions:
Neuronopathy, distal hereditary motor, type 7B. Also called: NEURONOPATHY, DISTAL HEREDITARY MOTOR, AUTOSOMAL DOMINANT 14; NEURONOPATHY, DISTAL HEREDITARY MOTOR, HARDING TYPE VIIB; NEUROPATHY, DISTAL HEREDITARY MOTOR, HARDING TYPE VIIB; NEUROPATHY, DISTAL HEREDITARY MOTOR, WITH VOCAL CORD PARALYSIS, HARDING TYPE VIIB; HMN VIIB; LOWER MOTOR NEURON DISEASE, DYNACTIN TYPE. Identifiers: Orphanet 139589, MedGen C1843315, MONDO:0011879, OMIM 607641.
Perry syndrome. Also called: PARKINSONISM WITH ALVEOLAR HYPOVENTILATION AND MENTAL DEPRESSION. Identifiers: Orphanet 178509, MedGen C1868594, MONDO:0008201, OMIM 168605.
Amyotrophic lateral sclerosis type 1 (ALS1). Also called: AMYOTROPHIC LATERAL SCLEROSIS 1, FAMILIAL. Identifiers: Orphanet 803, MedGen C1862939, MONDO:0007103, OMIM 105400.

Allele frequency attached by ClinVar (database versions not stated): gnomAD exomes 0.00001 and below 0.00001; ExAC 0.00001; TOPMed 0.00002; gnomAD 0.00001; ESP Exome Variant Server 0.00008.

Submissions (2):

Labcorp Genetics (formerly Invitae), Labcorp
Classification: Uncertain significance for Amyotrophic lateral sclerosis type 1; Neuronopathy, distal hereditary motor, type 7B; Perry syndrome. Last evaluated: 2025-05-27. Review status: criteria provided, single submitter. Criteria: Invitae Variant Classification Sherloc (09022015). Collection method: clinical testing. Allele origin: germline.
Comment: This sequence change replaces glutamine, which is neutral and polar, with glutamic acid, which is acidic and polar, at codon 1108 of the DCTN1 protein (p.Gln1108Glu). This variant is present in population databases (rs374567374, gnomAD 0.007%). This variant has not been reported in the literature in individuals affected with DCTN1-related conditions. ClinVar contains an entry for this variant (Variation ID: 1374901). Invitae Evidence Modeling of protein sequence and biophysical properties (such as structural, functional, and spatial information, amino acid conservation, physicochemical variation, residue mobility, and thermodynamic stability) indicates that this missense variant is not expected to disrupt DCTN1 protein function with a negative predictive value of 95%. In summary, the available evidence is currently insufficient to determine the role of this variant in disease. Therefore, it has been classified as a Variant of Uncertain Significance.

Dasa
Classification: Uncertain significance. Last evaluated: 2025-04-10. Review status: criteria provided, single submitter. Criteria: DASA Assertion Criteria. Collection method: clinical testing. Allele origin: germline.
Comment: NM_004082.5(DCTN1):c.3322C>G (p.Gln1108Glu) is a missense variant that results in the substitution of glutamine with glutamic acid. This variant is rare in population databases. The currently available literature and clinical evidence are not sufficient to establish a definitive association between this variant and the reported condition. Therefore, this variant is classified as a variant of uncertain significance.